The following is an entry in ClinVar:

ClinVar aggregate classification (germline): Uncertain significance (1 of 4 stars; one submission).

Conditions:
Neuromuscular disease caused by qualitative or quantitative defects of dysferlin. Also called: Dysferlinopathy; Qualitative or quantitative defects of dysferlin. Identifiers: Orphanet 207073, MedGen C2931687, MONDO:0016145.

gnomAD v4.1: 6 of 1,614,058 alleles (0.00037%); highest among the groups gnomAD compares: Non-Finnish European, 0.00034%; no homozygotes.

Submission:

Labcorp Genetics (formerly Invitae), Labcorp
Classification: Uncertain significance for Neuromuscular disease caused by qualitative or quantitative defects of dysferlin. Last evaluated: 2022-06-04. Review status: criteria provided, single submitter. Criteria: Invitae Variant Classification Sherloc (09022015). Collection method: clinical testing. Allele origin: germline.
Comment: This sequence change replaces glycine, which is neutral and non-polar, with cysteine, which is neutral and slightly polar, at codon 1660 of the DYSF protein (p.Gly1660Cys). This variant is present in population databases (rs375068646, gnomAD 0.0009%). This variant has not been reported in the literature in individuals affected with DYSF-related conditions. Advanced modeling of protein sequence and biophysical properties (such as structural, functional, and spatial information, amino acid conservation, physicochemical variation, residue mobility, and thermodynamic stability) performed at Invitae indicates that this missense variant is expected to disrupt DYSF protein function. Algorithms developed to predict the effect of sequence changes on RNA splicing suggest that this variant may disrupt the consensus splice site. In summary, the available evidence is currently insufficient to determine the role of this variant in disease. Therefore, it has been classified as a Variant of Uncertain Significance.

NM_001130987.2(DYSF):c.5095G>T (p.Gly1699Cys)

Gene: DYSF (dysferlin; plus strand). Cytogenetic location: 2p13.2.
Variant type: single nucleotide variant.
Coding change: c.5095G>T on transcript NM_001130987.2 (MANE Select); coding-DNA position 5095, G replaced by T.
Protein change: p.Gly1699Cys; replaces glycine 1699 with cysteine.
Molecular consequence: missense variant.
Genome position (GRCh38, 1-based): chr2:71,664,359, G>T. VCF-style: chr2-71664359-G-T. GRCh37 (hg19) VCF-style: chr2-71891489-G-T.
Other names: c.4981G>T, p.Gly1661Cys (NM_001130455.2); c.4936G>T, p.Gly1646Cys (NM_001130976.2); c.4999G>T, p.Gly1667Cys (NM_001130977.2); c.5041G>T, p.Gly1681Cys (NM_001130978.2); c.5071G>T, p.Gly1691Cys (NM_001130979.2); c.5029G>T, p.Gly1677Cys (NM_001130980.2); c.5092G>T, p.Gly1698Cys (NM_001130981.2); c.5074G>T, p.Gly1692Cys (NM_001130982.2); and 5 more; short protein forms G1660C, G1668C, G1682C, G1646C, G1661C, G1678C, G1692C, G1667C.
Identifiers: ClinVar variation 2149364 (VCV002149364.1), dbSNP rs375068646, ClinGen allele CA1707242.
Genomic context (GRCh38, chr2:71,664,359, plus strand): 5'-GAGAAGGACCTAAAGATCACTCTCTATGACTATGACCTCCTCTCCAAGGACGAAAAGATC[G>T]GTGAGACGGTCGTCGACCTGGAGAACAGGCTGCTGTCCAAGTTTGGGGCTCGCTGTGGAC-3'
Protein context (NP_001124459.1, residues 1689-1709): YDLLSKDEKI[Gly1699Cys]ETVVDLENRL